The following is an entry in ClinVar:

ClinVar aggregate classification (germline): Likely benign. Review status: criteria provided, multiple submitters, no conflicts (2 of 4 stars). 4 submissions from 4 submitters: Likely benign (3). 1 of the submissions does not count toward it. Last evaluated 2025-08-25.

Conditions:
BARD1-related disorder. Also called: BARD1-related condition.
Hereditary cancer-predisposing syndrome. Also called: Tumor predisposition; Neoplastic Syndromes, Hereditary; Hereditary Cancer Syndrome; Hereditary neoplastic syndrome. Identifiers: Orphanet 140162, MedGen C0027672, MeSH D009386, MONDO:0015356.
Familial cancer of breast. Also called: hereditary breast carcinoma; BREAST CANCER, FAMILIAL; Hereditary breast cancer. Identifiers: Orphanet 227535, MedGen C0346153, MONDO:0016419, OMIM 114480. Disease mechanism: loss of function.

Allele frequency attached by ClinVar (database versions not stated): gnomAD exomes below 0.00001; gnomAD 0.00001.
gnomAD v4.1: 2 of 1,612,302 alleles (0.00012%); highest among the groups gnomAD compares: Admixed American, 0.0017%; no homozygotes.

Submissions (4):

Labcorp Genetics (formerly Invitae), Labcorp
Classification: Likely benign for Familial cancer of breast. Last evaluated: 2025-08-25. Review status: criteria provided, single submitter. Criteria: Invitae Variant Classification Sherloc (09022015). Collection method: clinical testing. Allele origin: germline.

Myriad Genetics, Inc.
Classification: Likely benign for Familial cancer of breast. Last evaluated: 2024-07-18. Review status: criteria provided, single submitter. Criteria: Myriad Autosomal Dominant, Autosomal Recessive and X-Linked Classification Criteria (2023). Collection method: clinical testing. Allele origin: unknown.
Comment: This variant is considered likely benign. This variant is intronic and is not expected to impact mRNA splicing.

Color Diagnostics, LLC DBA Color Health
Classification: Likely benign for Hereditary cancer-predisposing syndrome. Last evaluated: 2019-02-01. Review status: criteria provided, single submitter. Criteria: ACMG Guidelines, 2015. Collection method: clinical testing. Allele origin: germline.

PreventionGenetics, part of Exact Sciences
Classification: Likely benign for BARD1-related condition. Last evaluated: 2024-05-30. Review status: no assertion criteria provided. Collection method: clinical testing. Allele origin: germline. Not counted in ClinVar's aggregate classification.
Comment: This variant is classified as likely benign based on ACMG/AMP sequence variant interpretation guidelines (Richards et al. 2015 PMID: 25741868, with internal and published modifications).

NM_000465.4(BARD1):c.158+9G>A

Gene: BARD1 (BRCA1 associated RING domain 1; minus strand). Cytogenetic location: 2q35.
Variant type: single nucleotide variant.
Coding change: c.158+9G>A on transcript NM_000465.4 (MANE Select); 9 bases into the intron after coding-DNA position 158, G replaced by A.
Molecular consequence: intron variant.
Genome position (GRCh38, 1-based): chr2:214,809,403, C>T on the plus strand (G>A on the coding strand, the complement: BARD1 is on the minus strand). VCF-style: chr2-214809403-C-T. GRCh37 (hg19) VCF-style: chr2-215674127-C-T.
Other names: c.158+9G>A (NM_001282548.2, NM_001282543.2, NM_001282545.2 and 1 more transcripts).
Identifiers: ClinVar variation 799502 (VCV000799502.16), dbSNP rs1574868837, ClinGen allele CA913188056.